The following is an entry in ClinVar:

NM_024700.4(SNIP1):c.1139_1142del (p.Asp380fs)

Gene: SNIP1 (Smad nuclear interacting protein 1; minus strand). Cytogenetic location: 1p34.3.
Variant type: Deletion.
Coding change: c.1139_1142del on transcript NM_024700.4 (MANE Select); coding-DNA positions 1139 to 1142, 4 bases deleted (ACAG; older notation c.1139_1142delACAG).
Protein change: p.Asp380fs; shifts the reading frame from aspartic acid 380.
Molecular consequence: frameshift variant.
Genome position (GRCh38, 1-based): chr1:37,537,797-37,537,800, CTGT deleted on the plus strand (ACAG on the coding strand, the reverse complement: SNIP1 is on the minus strand); deleting any 4 consecutive bases within chr1:37,537,797-37,537,802 gives the same sequence; the c. name uses the placement nearest the transcript's 3' end. VCF-style (leftmost placement, unchanged base first): chr1-37537796-CCTGT-C. GRCh37 (hg19) VCF-style: chr1-38003397-CCTGT-C.
Other names: short protein forms D380fs.
Identifiers: ClinVar variation 1411755 (VCV001411755.7), dbSNP rs780076866, ClinGen allele CA771211.

ClinVar aggregate classification (germline): Uncertain significance. Review status: criteria provided, single submitter (1 of 4 stars). 2 submissions from 2 submitters: Uncertain significance (1). 1 of the submissions does not count toward it. Last evaluated 2021-06-28.

Conditions:
Psychomotor retardation, epilepsy, and craniofacial dysmorphism (NEDHCS). Also called: NEURODEVELOPMENTAL DISORDER WITH HYPOTONIA, CRANIOFACIAL ABNORMALITIES, AND SEIZURES. Identifiers: MedGen C3281055, MONDO:0013787, OMIM 614501.

Submissions (2):

Labcorp Genetics (formerly Invitae), Labcorp
Classification: Uncertain significance. Last evaluated: 2021-06-28. Review status: criteria provided, single submitter. Criteria: Invitae Variant Classification Sherloc (09022015). Collection method: clinical testing. Allele origin: germline.
Comment: This variant is present in population databases (rs780076866, ExAC 0.001%). In summary, the available evidence is currently insufficient to determine the role of this variant in disease. Therefore, it has been classified as a Variant of Uncertain Significance. Experimental studies and prediction algorithms are not available or were not evaluated, and the functional significance of this variant is currently unknown. This variant has not been reported in the literature in individuals affected with SNIP1-related conditions. This sequence change results in a frameshift in the SNIP1 gene (p.Asp380Glyfs*52). While this is not anticipated to result in nonsense mediated decay, it is expected to disrupt the last 17 amino acid(s) of the SNIP1 protein and extend the protein by 34 additional amino acid residues.

Dr.Nikuei Genetic Center
Classification: Pathogenic for Psychomotor retardation, epilepsy, and craniofacial dysmorphism. Review status: no assertion criteria provided. Collection method: clinical testing. Allele origin: germline. Affected: yes. Not counted in ClinVar's aggregate classification.